The following is an entry in ClinVar:

NM_004667.6(HERC2):c.716C>T (p.Ser239Leu)

Gene: HERC2 (HECT and RLD domain containing E3 ubiquitin protein ligase 2; minus strand). Cytogenetic location: 15q13.1.
Variant type: single nucleotide variant.
Coding change: c.716C>T on transcript NM_004667.6 (MANE Select); coding-DNA position 716, C replaced by T.
Protein change: p.Ser239Leu; replaces serine 239 with leucine.
Molecular consequence: missense variant.
Genome position (GRCh38, 1-based): chr15:28,274,375, G>A on the plus strand (C>T on the coding strand, the complement: HERC2 is on the minus strand). VCF-style: chr15-28274375-G-A. GRCh37 (hg19) VCF-style: chr15-28519521-G-A.
Other names: short protein forms S239L.
Identifiers: ClinVar variation 5020793 (VCV005020793.1).
Genomic context (GRCh38, chr15:28,274,375, plus strand): 5'-CTGGTCGCTCTCTCCACCACCTCCAGCCACACAGAGGACACGGTGCTCTCGTCAAAGAGC[G>A]AGGCCTCGGGAAGTGCTCGCAGGGCGTCCAGGGACTCCTGCAACAGCTCACTGCAGAGGT-3'
Protein context (NP_004658.3, residues 229-249): LDALRALPEA[Ser239Leu]LFDESTVSSV

ClinVar aggregate classification (germline): Uncertain significance (1 of 4 stars; one submission).

gnomAD v4.1: 7 of 1,614,130 alleles (0.00043%); highest among the groups gnomAD compares: South Asian, 0.0055%; no homozygotes.

Submission:

Dasa
Classification: Uncertain significance. Last evaluated: 2025-11-18. Review status: criteria provided, single submitter. Criteria: DASA Assertion Criteria. Collection method: clinical testing. Allele origin: germline.
Comment: NM_004667.6(HERC2):c.716C>T (p.Ser239Leu) is a missense variant that results in the substitution of serine with leucine. This variant is rare in population databases. The currently available literature and clinical evidence are not sufficient to establish a definitive association between this variant and the reported condition. Therefore, this variant is classified as a variant of uncertain significance.